The following is an entry in ClinVar:

ClinVar aggregate classification (germline): Likely benign. Review status: criteria provided, multiple submitters, no conflicts (2 of 4 stars). 5 submissions from 5 submitters: Likely benign (5). Last evaluated 2026-01-06.

Conditions:
Cardiovascular phenotype. Identifiers: MedGen CN230736.
Dilated cardiomyopathy 1G (CMD1G). Identifiers: Orphanet 154, MedGen C1858763, MONDO:0011400, OMIM 604145.
Autosomal recessive limb-girdle muscular dystrophy type 2J (LGMDR10). Also called: Limb-girdle muscular dystrophy, type 2J; MUSCULAR DYSTROPHY, LIMB-GIRDLE, AUTOSOMAL RECESSIVE 10. Identifiers: Orphanet 140922, MedGen C1837342, MONDO:0012127, OMIM 608807.

Allele frequency attached by ClinVar (database versions not stated): gnomAD exomes 0.00005 and 0.00006; ExAC 0.00007; ESP Exome Variant Server 0.00016; TOPMed 0.00003; gnomAD 0.00004.
gnomAD v4.1: 93 of 1,612,930 alleles (0.0058%); highest among the groups gnomAD compares: Non-Finnish European, 0.0075%; no homozygotes.

Submissions (5):

Labcorp Genetics (formerly Invitae), Labcorp
Classification: Likely benign for Dilated cardiomyopathy 1G; Autosomal recessive limb-girdle muscular dystrophy type 2J. Last evaluated: 2026-01-06. Review status: criteria provided, single submitter. Criteria: Invitae Variant Classification Sherloc (09022015). Collection method: clinical testing. Allele origin: germline.

Women's Health and Genetics/Laboratory Corporation of America, LabCorp
Classification: Likely benign. Last evaluated: 2025-01-16. Review status: criteria provided, single submitter. Criteria: LabCorp Variant Classification Summary - May 2015. Collection method: clinical testing. Allele origin: germline.

CeGaT Center for Human Genetics Tuebingen
Classification: Likely benign. Last evaluated: 2024-11-01. Review status: criteria provided, single submitter. Criteria: CeGaT Center For Human Genetics Tuebingen Variant Classification Criteria Version 2. Collection method: clinical testing. Allele origin: germline. Affected: yes. Observed: 1 variant allele.
Comment: TTN: BP4, BS2

Ambry Genetics
Classification: Likely benign for Cardiovascular phenotype. Last evaluated: 2023-11-23. Review status: criteria provided, single submitter. Criteria: Ambry Variant Classification Scheme 2023. Collection method: clinical testing. Allele origin: germline.

GeneDx
Classification: Likely benign. Last evaluated: 2018-10-17. Review status: criteria provided, single submitter. Criteria: GeneDx Variant Classification Process June 2021. Collection method: clinical testing. Allele origin: germline. Affected: yes.

NM_001267550.2(TTN):c.52863G>A (p.Glu17621=)

Genes: TTN (titin; minus strand), TTN-AS1 (TTN antisense RNA 1; plus strand), LOC126806425 (BRD4-independent group 4 enhancer GRCh37_chr2:179471933-179473132; plus strand). Cytogenetic location: 2q31.2.
Variant type: single nucleotide variant.
Coding change: c.52863G>A on transcript NM_001267550.2 (MANE Select); coding-DNA position 52863, G replaced by A.
Protein change: p.Glu17621=; no amino-acid change (glutamic acid 17621 retained).
Molecular consequence: synonymous variant.
Genome position (GRCh38, 1-based): chr2:178,607,924, C>T on the plus strand (G>A on the coding strand, the complement: TTN is on the minus strand). VCF-style: chr2-178607924-C-T. GRCh37 (hg19) VCF-style: chr2-179472651-C-T.
Other names: c.47940G>A, p.Glu15980= (NM_001256850.1); c.25668G>A, p.Glu8556= (NM_003319.4); c.45159G>A, p.Glu15053= (NM_133378.4); c.26043G>A, p.Glu8681= (NM_133432.3); c.26244G>A, p.Glu8748= (NM_133437.4).
Identifiers: ClinVar variation 467250 (VCV000467250.26), dbSNP rs368606067, ClinGen allele CA1993915.
Genomic context (GRCh38, chr2:178,607,924, plus strand): 5'-TTTGTAATCAGCACCCTCTCGGATTTCTTTGACGGTGTACTGACGGACCTTGATCATCTT[C>T]TCTGTGCAGCGTGACCATTCATTTGTGCCAACCAACTGCTTATCAACAAAATAGCCAACA-3'
Protein context (NP_001254479.2, residues 17611-17631): VGTNEWSRCT[Glu17621=]KMIKVRQYTV